The following is an entry in ClinVar:

NM_002907.4(RECQL):c.597G>A (p.Met199Ile)

Gene: RECQL (RecQ like helicase; minus strand). Cytogenetic location: 12p12.1.
Variant type: single nucleotide variant.
Coding change: c.597G>A on transcript NM_002907.4 (MANE Select); coding-DNA position 597, G replaced by A.
Protein change: p.Met199Ile; replaces methionine 199 with isoleucine.
Molecular consequence: missense variant.
Genome position (GRCh38, 1-based): chr12:21,483,479, C>T on the plus strand (G>A on the coding strand, the complement: RECQL is on the minus strand). VCF-style: chr12-21483479-C-T. GRCh37 (hg19) VCF-style: chr12-21636413-C-T.
Other names: c.597G>A, p.Met199Ile (NM_032941.3); short protein forms M199I.
Identifiers: ClinVar variation 1750828 (VCV001750828.6), dbSNP rs1943231294, ClinGen allele CA384127304.

ClinVar aggregate classification (germline): Uncertain significance. Review status: criteria provided, multiple submitters, no conflicts (2 of 4 stars). 2 submissions from 2 submitters: Uncertain significance (2). Last evaluated 2025-12-24.

Allele frequency attached by ClinVar (database versions not stated): TOPMed 0.00001.

Submissions (2):

Labcorp Genetics (formerly Invitae), Labcorp
Classification: Uncertain significance. Last evaluated: 2025-12-24. Review status: criteria provided, single submitter. Criteria: Invitae Variant Classification Sherloc (09022015). Collection method: clinical testing. Allele origin: germline.
Comment: This sequence change replaces methionine, which is neutral and non-polar, with isoleucine, which is neutral and non-polar, at codon 199 of the RECQL protein (p.Met199Ile). This variant is not present in population databases (gnomAD no frequency). This variant has not been reported in the literature in individuals affected with RECQL-related conditions. ClinVar contains an entry for this variant (Variation ID: 1750828). Invitae Evidence Modeling of protein sequence and biophysical properties (such as structural, functional, and spatial information, amino acid conservation, physicochemical variation, residue mobility, and thermodynamic stability) indicates that this missense variant is not expected to disrupt RECQL protein function with a negative predictive value of 80%. In summary, the available evidence is currently insufficient to determine the role of this variant in disease. Therefore, it has been classified as a Variant of Uncertain Significance.

Ambry Genetics
Classification: Uncertain significance. Last evaluated: 2025-04-03. Review status: criteria provided, single submitter. Criteria: Ambry Variant Classification Scheme 2023. Collection method: clinical testing. Allele origin: germline.